The following is an entry in ClinVar:

ClinVar aggregate classification (germline): Uncertain significance (1 of 4 stars; one submission).

Conditions:
Congenital contractural arachnodactyly (CCA). Also called: BEALS SYNDROME; Beals-Hecht syndrome; Arthrogryposis, distal, type 9. Identifiers: Orphanet 115, MedGen C0220668, MONDO:0007363, OMIM 121050.

Submission:

Labcorp Genetics (formerly Invitae), Labcorp
Classification: Uncertain significance for Congenital contractural arachnodactyly. Last evaluated: 2024-05-23. Review status: criteria provided, single submitter. Criteria: Invitae Variant Classification Sherloc (09022015). Collection method: clinical testing. Allele origin: germline.
Comment: This sequence change replaces glycine, which is neutral and non-polar, with arginine, which is basic and polar, at codon 596 of the FBN2 protein (p.Gly596Arg). This variant is not present in population databases (gnomAD no frequency). This variant has not been reported in the literature in individuals affected with FBN2-related conditions. Advanced modeling of protein sequence and biophysical properties (such as structural, functional, and spatial information, amino acid conservation, physicochemical variation, residue mobility, and thermodynamic stability) has been performed at Invitae for this missense variant, however the output from this modeling did not meet the statistical confidence thresholds required to predict the impact of this variant on FBN2 protein function. In summary, the available evidence is currently insufficient to determine the role of this variant in disease. Therefore, it has been classified as a Variant of Uncertain Significance.

NM_001999.4(FBN2):c.1786G>A (p.Gly596Arg)

Gene: FBN2 (fibrillin 2; minus strand). Cytogenetic location: 5q23.3.
Variant type: single nucleotide variant.
Coding change: c.1786G>A on transcript NM_001999.4 (MANE Select); coding-DNA position 1786, G replaced by A.
Protein change: p.Gly596Arg; replaces glycine 596 with arginine.
Molecular consequence: missense variant.
Genome position (GRCh38, 1-based): chr5:128,377,815, C>T on the plus strand (G>A on the coding strand, the complement: FBN2 is on the minus strand). VCF-style: chr5-128377815-C-T. GRCh37 (hg19) VCF-style: chr5-127713508-C-T.
Other names: short protein forms G596R.
Identifiers: ClinVar variation 3688591 (VCV003688591.2).
Genomic context (GRCh38, chr5:128,377,815, plus strand): 5'-CACAGTTTTTTCCATCTGTAGTTAATTCAAAGCCGGCATTGCAAATGCACTGGAAACTTC[C>T]ATCTGTGTTCACGCATCGACCGTTTTTACAAAGAACCCCATTCTGGATGCACTCATCAAT-3'
Protein context (NP_001990.2, residues 586-606): CKNGRCVNTD[Gly596Arg]SFQCICNAGF